The following is an entry in ClinVar:

NM_014915.3(ANKRD26):c.1969G>A (p.Asp657Asn)

Gene: ANKRD26 (ankyrin repeat domain 26; minus strand). Cytogenetic location: 10p12.1.
Variant type: single nucleotide variant.
Coding change: c.1969G>A on transcript NM_014915.3 (MANE Select); coding-DNA position 1969, G replaced by A.
Protein change: p.Asp657Asn; replaces aspartic acid 657 with asparagine.
Molecular consequence: missense variant.
Genome position (GRCh38, 1-based): chr10:27,046,369, C>T on the plus strand (G>A on the coding strand, the complement: ANKRD26 is on the minus strand). VCF-style: chr10-27046369-C-T. GRCh37 (hg19) VCF-style: chr10-27335298-C-T.
Other names: c.1966G>A, p.Asp656Asn (NM_001256053.2); short protein forms D657N, D656N.
Identifiers: ClinVar variation 3124307 (VCV003124307.4), dbSNP rs777665322, ClinGen allele CA5448366.

ClinVar aggregate classification (germline): Uncertain significance. Review status: criteria provided, multiple submitters, no conflicts (2 of 4 stars). 3 submissions from 3 submitters: Uncertain significance (3). Last evaluated 2025-09-24.

Conditions:
Inborn genetic diseases. Identifiers: MedGen C0950123, MeSH D030342.

Allele frequency attached by ClinVar (database versions not stated): ExAC 0.00001; gnomAD exomes 0.00001.

Submissions (3):

Labcorp Genetics (formerly Invitae), Labcorp
Classification: Uncertain significance. Last evaluated: 2025-09-24. Review status: criteria provided, single submitter. Criteria: Invitae Variant Classification Sherloc (09022015). Collection method: clinical testing. Allele origin: germline.
Comment: This sequence change replaces aspartic acid, which is acidic and polar, with asparagine, which is neutral and polar, at codon 657 of the ANKRD26 protein (p.Asp657Asn). This variant is present in population databases (rs777665322, gnomAD 0.002%). This variant has not been reported in the literature in individuals affected with ANKRD26-related conditions. ClinVar contains an entry for this variant (Variation ID: 3124307). An algorithm developed to predict the effect of missense changes on protein structure and function (PolyPhen-2) suggests that this variant is likely to be disruptive. In summary, the available evidence is currently insufficient to determine the role of this variant in disease. Therefore, it has been classified as a Variant of Uncertain Significance.

Ambry Genetics
Classification: Uncertain significance for Inborn genetic diseases. Last evaluated: 2025-01-02. Review status: criteria provided, single submitter. Criteria: Ambry Variant Classification Scheme 2023. Collection method: clinical testing. Allele origin: germline.
Comment: The p.D657N variant (also known as c.1969G>A), located in coding exon 18 of the ANKRD26 gene, results from a G to A substitution at nucleotide position 1969. The aspartic acid at codon 657 is replaced by asparagine, an amino acid with highly similar properties. This amino acid position is conserved. In addition, this alteration is predicted to be tolerated by in silico analysis. Based on the available evidence, the clinical significance of this variant remains unclear.

GeneDx
Classification: Uncertain significance. Last evaluated: 2023-10-25. Review status: criteria provided, single submitter. Criteria: GeneDx Variant Classification Process June 2021. Collection method: clinical testing. Allele origin: germline. Affected: yes.
Comment: Not observed at significant frequency in large population cohorts (gnomAD); In silico analysis supports that this missense variant does not alter protein structure/function; Has not been previously published as pathogenic or benign to our knowledge